The following is an entry in ClinVar:

NM_021009.7(UBC):c.427C>T (p.Leu143=)

Gene: UBC (ubiquitin C; minus strand). Cytogenetic location: 12q24.31.
Variant type: single nucleotide variant.
Coding change: c.427C>T on transcript NM_021009.7 (MANE Select); coding-DNA position 427, C replaced by T.
Protein change: p.Leu143=; no amino-acid change (leucine 143 retained).
Molecular consequence: synonymous variant.
Genome position (GRCh38, 1-based): chr12:124,913,345, G>A on the plus strand (C>T on the coding strand, the complement: UBC is on the minus strand). VCF-style: chr12-124913345-G-A. GRCh37 (hg19) VCF-style: chr12-125397891-G-A.
Identifiers: ClinVar variation 4084433 (VCV004084433.8).
Genomic context (GRCh38, chr12:124,913,345, plus strand): 5'-TACCAGTCAGGGTCTTCACGAAGATCTGCATCCCACCTCTGAGACGGAGCACCAGGTGCA[G>A]GGTAGACTCTTTCTGGATGTTGTAGTCAGACAGGGTGCGCCCATCTTCCAGCTGCTTTCC-3'
Protein context (NP_066289.3, residues 133-153): SDYNIQKEST[Leu143=]HLVLRLRGGM

ClinVar aggregate classification (germline): Likely benign (1 of 4 stars; one submission).

Submission:

CeGaT Center for Human Genetics Tuebingen
Classification: Likely benign. Last evaluated: 2025-06-01. Review status: criteria provided, single submitter. Criteria: CeGaT Center For Human Genetics Tuebingen Variant Classification Criteria Version 2. Collection method: clinical testing. Allele origin: germline. Affected: yes. Observed: 1 variant allele.
Comment: UBC: BP4, BP7